The following is an entry in ClinVar:

NM_007294.4(BRCA1):c.1968C>G (p.Asn656Lys)

Gene: BRCA1 (BRCA1 DNA repair associated; minus strand). Cytogenetic location: 17q21.31.
Variant type: single nucleotide variant.
Coding change: c.1968C>G on transcript NM_007294.4 (MANE Select); coding-DNA position 1968, C replaced by G.
Protein change: p.Asn656Lys; replaces asparagine 656 with lysine.
Molecular consequence: missense variant. On other transcripts: intron variant (137).
Genome position (GRCh38, 1-based): chr17:43,093,563, G>C on the plus strand (C>G on the coding strand, the complement: BRCA1 is on the minus strand). VCF-style: chr17-43093563-G-C. GRCh37 (hg19) VCF-style: chr17-41245580-G-C.
Other names: c.1701C>G, p.Asn567Lys (NM_001407934.1, NM_001407936.1, NM_001407930.1 and 2 more transcripts); c.1704C>G, p.Asn568Lys (NM_001407935.1, NM_001407920.1, NM_001407921.1 and 9 more transcripts); c.1845C>G, p.Asn615Lys (NM_001407937.1, NM_001407938.1, NM_001407939.1 and 19 more transcripts); c.1842C>G, p.Asn614Lys (NM_001407940.1, NM_001407941.1, NM_001407649.1 and 11 more transcripts); c.1827C>G, p.Asn609Lys (NM_001407942.1, NM_001407944.1, NM_001407692.1 and 29 more transcripts); c.1824C>G, p.Asn608Lys (NM_001407943.1, NM_001407740.1, NM_001407741.1 and 20 more transcripts); c.1968C>G, p.Asn656Lys (NM_001407585.1, NM_001407593.1, NM_001407594.1 and 30 more transcripts); c.1965C>G, p.Asn655Lys (NM_001407587.1, NM_001407590.1, NM_001407591.1 and 22 more transcripts); and 40 more; short protein forms N528K, N568K, N609K, N615K, N529K, N545K, N589K, N653K.
Identifiers: ClinVar variation 2760114 (VCV002760114.3), dbSNP rs1131692075, ClinGen allele CA10598081.

ClinVar aggregate classification (germline): Uncertain significance (1 of 4 stars; one submission).

Conditions:
Hereditary breast ovarian cancer syndrome. Also called: Hereditary breast and ovarian cancer syndrome (HBOC); Hereditary breast and/or ovarian cancer syndrome; Hereditary breast and ovarian cancer syndrome; Breast and ovarian cancer; Hereditary breast and ovarian cancer; BRCA1- and BRCA2-Associated Hereditary Breast and Ovarian Cancer. Identifiers: Orphanet 145, MedGen C0677776, MeSH D061325, MONDO:0003582. Disease mechanism: loss of function.

gnomAD v4.1: 1 of 1,613,890 alleles (0.000062%); highest among the groups gnomAD compares: Non-Finnish European, 0.000085%; no homozygotes.

Submission:

Labcorp Genetics (formerly Invitae), Labcorp
Classification: Uncertain significance for Hereditary breast ovarian cancer syndrome. Last evaluated: 2023-09-11. Review status: criteria provided, single submitter. Criteria: Invitae Variant Classification Sherloc (09022015). Collection method: clinical testing. Allele origin: germline.
Comment: This variant is not present in population databases (gnomAD no frequency). This sequence change replaces asparagine, which is neutral and polar, with lysine, which is basic and polar, at codon 656 of the BRCA1 protein (p.Asn656Lys). This variant has not been reported in the literature in individuals affected with BRCA1-related conditions. Advanced modeling of protein sequence and biophysical properties (such as structural, functional, and spatial information, amino acid conservation, physicochemical variation, residue mobility, and thermodynamic stability) performed at Invitae indicates that this missense variant is not expected to disrupt BRCA1 protein function. In summary, the available evidence is currently insufficient to determine the role of this variant in disease. Therefore, it has been classified as a Variant of Uncertain Significance.